The following is an entry in ClinVar:

NM_003322.6(TULP1):c.1507G>T (p.Val503Leu)

Gene: TULP1 (TUB like protein 1; minus strand). Cytogenetic location: 6p21.31.
Variant type: single nucleotide variant.
Coding change: c.1507G>T on transcript NM_003322.6 (MANE Select); coding-DNA position 1507, G replaced by T.
Protein change: p.Val503Leu; replaces valine 503 with leucine.
Molecular consequence: missense variant.
Genome position (GRCh38, 1-based): chr6:35,498,449, C>A on the plus strand (G>T on the coding strand, the complement: TULP1 is on the minus strand). VCF-style: chr6-35498449-C-A. GRCh37 (hg19) VCF-style: chr6-35466226-C-A.
Other names: c.1348G>T, p.Val450Leu (NM_001289395.2); short protein forms V503L, V450L.
Identifiers: ClinVar variation 1481732 (VCV001481732.6), dbSNP rs2150921639, ClinGen allele CA363778376.
Genomic context (GRCh38, chr6:35,498,449, plus strand): 5'-ACAGCGGGTACCGGTAGTCTAGGGTGAAGGCGTCCTCCGCCACGCGGCCGAACTGCAGCA[C>A]GATATAGTCGGCTATGGACACAAGACGGGGTGGGGGCGGCCCGAGACCTCCTTGGACCCC-3'
Protein context (NP_003313.3, residues 493-513): IVHADDPDYI[Val503Leu]LQFGRVAEDA

ClinVar aggregate classification (germline): Uncertain significance (1 of 4 stars; one submission).

Submission:

Labcorp Genetics (formerly Invitae), Labcorp
Classification: Uncertain significance. Last evaluated: 2023-11-08. Review status: criteria provided, single submitter. Criteria: Invitae Variant Classification Sherloc (09022015). Collection method: clinical testing. Allele origin: germline.
Comment: This sequence change replaces valine with leucine at codon 503 of the TULP1 protein (p.Val503Leu). The valine residue is highly conserved and there is a small physicochemical difference between valine and leucine. This variant is not present in population databases (gnomAD no frequency). This variant has not been reported in the literature in individuals affected with TULP1-related conditions. ClinVar contains an entry for this variant (Variation ID: 1481732). Advanced modeling of protein sequence and biophysical properties (such as structural, functional, and spatial information, amino acid conservation, physicochemical variation, residue mobility, and thermodynamic stability) has been performed at Invitae for this missense variant, however the output from this modeling did not meet the statistical confidence thresholds required to predict the impact of this variant on TULP1 protein function. Algorithms developed to predict the effect of sequence changes on RNA splicing suggest that this variant may disrupt the consensus splice site. In summary, the available evidence is currently insufficient to determine the role of this variant in disease. Therefore, it has been classified as a Variant of Uncertain Significance.